The following is an entry in ClinVar:

ClinVar aggregate classification (germline): Uncertain significance (1 of 4 stars; one submission).

Conditions:
Idiopathic generalized epilepsy. Also called: EIG; Generalised epilepsy. Identifiers: MedGen C0270850, MONDO:0005579, OMIM 600669.
Hyperaldosteronism, familial, type IV (HALD4). Also called: FH IV; ALDOSTERONISM, PRIMARY, AND HYPERTENSION. Identifiers: Orphanet 642671, MedGen C4310756, MONDO:0014875, OMIM 617027.

Submission:

Labcorp Genetics (formerly Invitae), Labcorp
Classification: Uncertain significance for Idiopathic generalized epilepsy; Hyperaldosteronism, familial, type IV. Last evaluated: 2022-08-08. Review status: criteria provided, single submitter. Criteria: Invitae Variant Classification Sherloc (09022015). Collection method: clinical testing. Allele origin: germline.
Comment: This sequence change replaces proline, which is neutral and non-polar, with leucine, which is neutral and non-polar, at codon 2086 of the CACNA1H protein (p.Pro2086Leu). This variant is not present in population databases (gnomAD no frequency). This variant has not been reported in the literature in individuals affected with CACNA1H-related conditions. Advanced modeling of protein sequence and biophysical properties (such as structural, functional, and spatial information, amino acid conservation, physicochemical variation, residue mobility, and thermodynamic stability) performed at Invitae indicates that this missense variant is not expected to disrupt CACNA1H protein function. In summary, the available evidence is currently insufficient to determine the role of this variant in disease. Therefore, it has been classified as a Variant of Uncertain Significance.

NM_021098.3(CACNA1H):c.6257C>T (p.Pro2086Leu)

Gene: CACNA1H (calcium voltage-gated channel subunit alpha1 H; plus strand). Cytogenetic location: 16p13.3.
Variant type: single nucleotide variant.
Coding change: c.6257C>T on transcript NM_021098.3 (MANE Select); coding-DNA position 6257, C replaced by T.
Protein change: p.Pro2086Leu; replaces proline 2086 with leucine.
Molecular consequence: missense variant.
Genome position (GRCh38, 1-based): chr16:1,220,189, C>T. VCF-style: chr16-1220189-C-T. GRCh37 (hg19) VCF-style: chr16-1270189-C-T.
Other names: c.6239C>T, p.Pro2080Leu (NM_001005407.2); short protein forms P2086L, P2080L.
Identifiers: ClinVar variation 1996607 (VCV001996607.4), dbSNP rs563954985, ClinGen allele CA394149380.